The following is an entry in ClinVar:

ClinVar aggregate classification (germline): Uncertain significance. Review status: criteria provided, multiple submitters, no conflicts (2 of 4 stars). 11 submissions from 11 submitters: Uncertain significance (9). 2 of the submissions do not count toward it. Last evaluated 2026-01-21.

Conditions:
CHEK2-related disorder.
Hereditary cancer-predisposing syndrome. Also called: Hereditary neoplastic syndrome; Neoplastic Syndromes, Hereditary; Hereditary Cancer Syndrome; Tumor predisposition. Identifiers: Orphanet 140162, MedGen C0027672, MeSH D009386, MONDO:0015356.
CHEK2-related cancer predisposition (TPDS4). Also called: CHEK2-related cancer susceptibility; TUMOR PREDISPOSITION SYNDROME 4; CANCER PREDISPOSITION SYNDROME, CHEK2-RELATED. Identifiers: Orphanet 524, MedGen C5882668, MONDO:0700271, OMIM 609265.
Familial cancer of breast. Also called: Hereditary breast cancer; BREAST CANCER, FAMILIAL; hereditary breast carcinoma. Identifiers: Orphanet 227535, MedGen C0346153, MONDO:0016419, OMIM 114480. Disease mechanism: loss of function.

Allele frequency attached by ClinVar (database versions not stated): gnomAD exomes 0.00001; ExAC 0.00002; TOPMed 0.00002; gnomAD 0.00003; ESP Exome Variant Server 0.00015.
gnomAD v4.1: 24 of 1,613,918 alleles (0.0015%); highest among the groups gnomAD compares: Admixed American, 0.0033%; no homozygotes.

Submissions (11):

Labcorp Genetics (formerly Invitae), Labcorp
Classification: Uncertain significance for Familial cancer of breast. Last evaluated: 2026-01-21. Review status: criteria provided, single submitter. Criteria: Invitae Variant Classification Sherloc (09022015). Collection method: clinical testing. Allele origin: germline.
Comment: This sequence change replaces arginine, which is basic and polar, with cysteine, which is neutral and slightly polar, at codon 318 of the CHEK2 protein (p.Arg318Cys). This variant is present in population databases (rs148053495, gnomAD 0.01%). This missense change has been observed in individual(s) with colorectal or breast cancer (PMID: 28135145, 30287823). ClinVar contains an entry for this variant (Variation ID: 128090). An algorithm developed to predict the effect of missense changes on protein structure and function (PolyPhen-2) suggests that this variant is likely to be tolerated. Experimental studies are conflicting or provide insufficient evidence to determine the effect of this variant on CHEK2 function (PMID: 30851065, 37449874). In summary, the available evidence is currently insufficient to determine the role of this variant in disease. Therefore, it has been classified as a Variant of Uncertain Significance.

Ambry Genetics
Classification: Uncertain significance for Hereditary cancer-predisposing syndrome. Last evaluated: 2025-07-21. Review status: criteria provided, single submitter. Criteria: Ambry Variant Classification Scheme 2023. Collection method: clinical testing. Allele origin: germline.
Comment: The p.R318C variant (also known as c.952C>T), located in coding exon 8 of the CHEK2 gene, results from a C to T substitution at nucleotide position 952. The arginine at codon 318 is replaced by cysteine, an amino acid with highly dissimilar properties. This variant has been identified in individuals diagnosed with breast, colorectal and/or prostate cancer (Yurgelun MB et al. J. Clin. Oncol., 2017 Apr;35:1086-1095; Hauke J et al. Cancer Med, 2018 Apr;7:1349-1358; Momozawa Y et al. Nat Commun, 2018 10;9:4083; Matejcic M et al. JCO Precis Oncol, 2020 Jan;4:32-43; Akcay IM et al. Int J Cancer, 2021 Jan;148:285-295). This variant behaved as functional in an in vivo, yeast-based growth rate assay (Delimitsou A et al. Hum Mutat, 2019 05;40:631-648). However, this variant was reported as functionally impaired in a study assessing CHEK2-complementation through quantification of KAP1 phosphorylation and CHK2 autophosphorylation in human RPE1-CHEK2-knockout cells (Stolarova L et al. Clin Cancer Res, 2023 Aug;29:3037-3050). This amino acid position is not well conserved in available vertebrate species. In addition, this alteration is predicted to be tolerated by in silico analysis. Based on the available evidence, the clinical significance of this variant remains unclear.

Quest Diagnostics Nichols Institute San Juan Capistrano
Classification: Uncertain significance. Last evaluated: 2025-07-16. Review status: criteria provided, single submitter. Criteria: Quest Diagnostics criteria. Collection method: clinical testing. Allele origin: unknown.
Comment: The CHEK2 c.952C>T (p.Arg318Cys) variant has been reported in the published literature in individuals affected with breast cancer (PMID: 29522266 (2018), 30287823 (2018), 33471991 (2021), 37449874 (2023), see also LOVD) and colorectal cancer (PMID: 28135145 (2017), 32658311 (2021)). Relatively recent in vitro studies showed this variant to be damaging to CHEK2 function (PMID: 37449874 (2023)). However a previous study using yeast indicated the variant retained CHEK2 activity (PMID: 30851065 (2019)). The frequency of this variant in the general population (Genome Aggregation Database) is uninformative in the assessment of its pathogenicity. Analysis of this variant using bioinformatics tools for the prediction of the effect of amino acid changes on protein structure and function yielded conflicting predictions that this variant is benign or damaging. Based on the available information, we are unable to determine the clinical significance of this variant.

Color Diagnostics, LLC DBA Color Health
Classification: Uncertain significance for Hereditary cancer-predisposing syndrome. Last evaluated: 2024-07-09. Review status: criteria provided, single submitter. Criteria: ACMG Guidelines, 2015. Collection method: clinical testing. Allele origin: germline.
Comment: This missense variant replaces arginine with cysteine at codon 318 of the CHEK2 protein. Computational prediction suggests that this variant may not impact protein structure and function. Functional studies have shown this variant to have neutral effect in DNA damage response assay in yeast (PMID: 30851065) and a deleterious impact on KAP1 phosphorylation and CHEK2 autophosphorylation in a human cell complementation assay (PMID: 37449874). This variant has been observed in individuals affected with breast cancer (PMID: 30287823) and colorectal cancer (PMID: 28135145, 32658311). In a large breast cancer case-control meta-analysis, this variant was reported in 4/73048 cases and 2/88658 controls (PMID: 37449874). This variant has been identified in 3/251470 chromosomes in the general population by the Genome Aggregation Database (gnomAD). The available evidence is insufficient to determine the role of this variant in disease conclusively. Therefore, this variant is classified as a Variant of Uncertain Significance.

Baylor Genetics
Classification: Uncertain significance for Familial cancer of breast. Last evaluated: 2024-01-23. Review status: criteria provided, single submitter. Criteria: ACMG Guidelines, 2015. Collection method: clinical testing. Allele origin: unknown.

GeneDx
Classification: Uncertain significance. Last evaluated: 2024-01-19. Review status: criteria provided, single submitter. Criteria: GeneDx Variant Classification Process June 2021. Collection method: clinical testing. Allele origin: germline. Affected: yes.
Comment: Observed in individuals with breast, prostate, or colon cancer (PMID: 28135145, 30287823, 29522266, 32832836); Published functional studies demonstrate no damaging effect: growth rates similar to wild type (PMID: 30851065); Not observed at significant frequency in large population cohorts (gnomAD); In silico analysis supports that this missense variant has a deleterious effect on protein structure/function; Also known as c.1081C>T (p.Arg361Cys); This variant is associated with the following publications: (PMID: 28135145, 30287823, 22419737, 19782031, 32658311, 32832836, 29522266, 30851065)

Myriad Genetics, Inc.
Classification: Uncertain significance for Familial cancer of breast. Last evaluated: 2023-03-09. Review status: criteria provided, single submitter. Criteria: Myriad Autosomal Dominant, Autosomal Recessive and X-Linked Classification Criteria (2023). Collection method: clinical testing. Allele origin: unknown.
Comment: This variant is classified as a variant of uncertain significance as there is insufficient evidence to determine its impact on protein function and/or cancer risk.

Department of Pathology and Laboratory Medicine, Sinai Health System
Classification: Uncertain significance for CHEK2-related cancer predisposition. Last evaluated: 2022-06-02. Review status: criteria provided, single submitter. Criteria: ACMG Guidelines, 2015. Collection method: clinical testing. Allele origin: germline. Affected: yes.

Genetic Services Laboratory, University of Chicago
Classification: Uncertain significance. Last evaluated: 2018-03-21. Review status: criteria provided, single submitter. Criteria: ACMG Guidelines, 2015. Collection method: clinical testing. Allele origin: germline. Affected: no.

PreventionGenetics, part of Exact Sciences
Classification: Uncertain significance for CHEK2-related condition. Last evaluated: 2024-03-21. Review status: no assertion criteria provided. Collection method: clinical testing. Allele origin: germline. Not counted in ClinVar's aggregate classification.
Comment: The CHEK2 c.952C>T variant is predicted to result in the amino acid substitution p.Arg318Cys. This variant has been reported in individuals with colorectal cancer (Yurgelun et al 2017. PubMed ID: 28135145) and breast cancer (Momozawa Y et al 2018. PubMed ID: 30287823). Functional studies showed that this variant has a benign effect in yeast system (Delimitsou A et al 2019. PubMed ID: 30851065). This variant is reported in 0.012% of alleles in individuals of African descent in gnomAD. This variant is interpreted as uncertain significance in ClinVar. At this time, the clinical significance of this variant is uncertain due to the absence of conclusive functional and genetic evidence.

Counsyl
Classification: Uncertain significance for Familial cancer of breast. Last evaluated: 2016-12-21. Review status: no assertion criteria provided. Collection method: clinical testing. Allele origin: unknown. Not counted in ClinVar's aggregate classification.

Literature cited by the submitters: PubMed 28135145 (cited by 5 submitters); PubMed 30287823 (cited by 5 submitters); PubMed 30851065 (cited by 5 submitters); PubMed 37449874 (cited by 4 submitters); PubMed 29522266 (cited by Ambry Genetics and Quest Diagnostics Nichols Institute San Juan Capistrano); PubMed 32658311 (cited by 3 submitters); PubMed 32832836 (cited by Ambry Genetics); PubMed 35643632 (cited by Quest Diagnostics Nichols Institute San Juan Capistrano); PubMed 39643631 (cited by Quest Diagnostics Nichols Institute San Juan Capistrano).

NM_007194.4(CHEK2):c.952C>T (p.Arg318Cys)

Gene: CHEK2 (checkpoint kinase 2; minus strand). Cytogenetic location: 22q12.1.
Variant type: single nucleotide variant.
Coding change: c.952C>T on transcript NM_007194.4 (MANE Select); coding-DNA position 952, C replaced by T.
Protein change: p.Arg318Cys; replaces arginine 318 with cysteine.
Molecular consequence: missense variant.
Genome position (GRCh38, 1-based): chr22:28,699,894, G>A on the plus strand (C>T on the coding strand, the complement: CHEK2 is on the minus strand). VCF-style: chr22-28699894-G-A. GRCh37 (hg19) VCF-style: chr22-29095882-G-A.
Other names: p.R318C:CGC>TGC; c.1081C>T, p.Arg361Cys (NM_001005735.3); c.289C>T, p.Arg97Cys (NM_001257387.3); c.751C>T, p.Arg251Cys (NM_001349956.3); c.952C>T, p.Arg318Cys (NM_145862.3); short protein forms R318C, R251C, R361C, R97C.
Identifiers: ClinVar variation 128090 (VCV000128090.35), dbSNP rs148053495, ClinGen allele CA288333.